The following is an entry in ClinVar:

NM_001160372.4(TRAPPC9):c.2167dup (p.Ser723fs)

Gene: TRAPPC9 (trafficking protein particle complex subunit 9; minus strand). Cytogenetic location: 8q24.3.
Variant type: Duplication.
Coding change: c.2167dup on transcript NM_001160372.4 (MANE Select); coding-DNA position 2167, one base duplicated (T; older notation c.2167dupT).
Protein change: p.Ser723fs; shifts the reading frame from serine 723.
Molecular consequence: frameshift variant. On other transcripts: non-coding transcript variant (1).
Genome position (GRCh38, 1-based): chr8:140,275,769, A duplicated on the plus strand (T on the coding strand, the reverse complement: TRAPPC9 is on the minus strand). VCF-style (leftmost placement, unchanged base first): chr8-140275768-G-GA. GRCh37 (hg19) VCF-style: chr8-141285867-G-GA.
Other names: c.2140dup, p.Ser714fs (NM_001321646.2); c.2188dup, p.Ser730fs (NM_001374682.1); c.2167dup, p.Ser723fs (NM_001374683.1, NM_031466.8); c.2023dup, p.Ser675fs (NM_001374684.1); short protein forms S675fs, S714fs, S723fs, S730fs.
Identifiers: ClinVar variation 3250477 (VCV003250477.1), dbSNP rs2539378902.
Genomic context (GRCh38, chr8:140,275,768, plus strand): 5'-ATTCCAATATTTTCCAATTTAATGATTAGTTGCTGACTTTCTCCATTGTAAAGCTGGACA[G>GA]ATACATTAGTAGATATTTCATCACCAGAAGAAGGTTGCAATGAATGTGCAGATCTAAAAT-3'

ClinVar aggregate classification (germline): Pathogenic (0 of 4 stars; one submission).

Conditions:
Intellectual developmental disorder, autosomal recessive 13. Also called: Intellectual disability, autosomal recessive 13. Identifiers: Orphanet 88616, MedGen C2750791, MONDO:0013173, OMIM 613192.

Submission:

Dr.Nikuei Genetic Center
Classification: Pathogenic for Intellectual developmental disorder, autosomal recessive 13. Review status: no assertion criteria provided. Collection method: clinical testing. Allele origin: germline. Inheritance: Autosomal recessive inheritance. Affected: yes.
Comment: The identified mutation does not have any frequency in gnomad and local population database. This variant is predicted to cause a frame-shift, which alters the protein amino acid sequence. This alteration is then predicted to lead to a truncated or absent protein. Loss of function of the TRAPPC9 gene is an established disease mechanism.